The following is an entry in ClinVar:

ClinVar aggregate classification (germline): Uncertain significance (1 of 4 stars; one submission).

Conditions:
Landau-Kleffner syndrome (FESD). Also called: EPILEPSY, FOCAL, WITH SPEECH DISORDER AND WITH OR WITHOUT MENTAL RETARDATION; APHASIA, ACQUIRED, WITH EPILEPSY. Identifiers: Orphanet 1945, Orphanet 725, Orphanet 98818, MedGen C0282512, MONDO:0009509, OMIM 245570.

Allele frequency attached by ClinVar (database versions not stated): gnomAD 0.00001; gnomAD exomes below 0.00001; TOPMed below 0.00001.
gnomAD v4.1: 3 of 1,614,076 alleles (0.00019%); highest among the groups gnomAD compares: African/African-American, 0.0013%; no homozygotes.

Submission:

Labcorp Genetics (formerly Invitae), Labcorp
Classification: Uncertain significance for Landau-Kleffner syndrome. Last evaluated: 2021-11-25. Review status: criteria provided, single submitter. Criteria: Invitae Variant Classification Sherloc (09022015). Collection method: clinical testing. Allele origin: germline.
Comment: In summary, the available evidence is currently insufficient to determine the role of this variant in disease. Therefore, it has been classified as a Variant of Uncertain Significance. Advanced modeling of protein sequence and biophysical properties (such as structural, functional, and spatial information, amino acid conservation, physicochemical variation, residue mobility, and thermodynamic stability) performed at Invitae indicates that this missense variant is not expected to disrupt GRIN2A protein function. This variant has not been reported in the literature in individuals affected with GRIN2A-related conditions. This variant is present in population databases (no rsID available, gnomAD 0.004%). This sequence change replaces methionine, which is neutral and non-polar, with threonine, which is neutral and polar, at codon 90 of the GRIN2A protein (p.Met90Thr).

NM_001134407.3(GRIN2A):c.269T>C (p.Met90Thr)

Gene: GRIN2A (glutamate ionotropic receptor NMDA type subunit 2A; minus strand). Cytogenetic location: 16p13.2.
Variant type: single nucleotide variant.
Coding change: c.269T>C on transcript NM_001134407.3 (MANE Select); coding-DNA position 269, T replaced by C.
Protein change: p.Met90Thr; replaces methionine 90 with threonine.
Molecular consequence: missense variant.
Genome position (GRCh38, 1-based): chr16:10,180,143, A>G on the plus strand (T>C on the coding strand, the complement: GRIN2A is on the minus strand). VCF-style: chr16-10180143-A-G. GRCh37 (hg19) VCF-style: chr16-10274000-A-G.
Other names: c.269T>C, p.Met90Thr (NM_000833.5, NM_001134408.2); short protein forms M90T.
Identifiers: ClinVar variation 1490477 (VCV001490477.6), dbSNP rs933535128, ClinGen allele CA277615680.